The following is an entry in ClinVar:

ClinVar aggregate classification (germline): Uncertain significance (1 of 4 stars; one submission).

Submission:

GeneDx
Classification: Uncertain significance. Last evaluated: 2024-12-19. Review status: criteria provided, single submitter. Criteria: GeneDx Variant Classification Process June 2021. Collection method: clinical testing. Allele origin: germline. Affected: yes.
Comment: Canonical splice site variant in a gene or region of a gene for which loss of function is not a well-established mechanism of disease; Not observed at significant frequency in large population cohorts (gnomAD); Has not been previously published as pathogenic or benign to our knowledge

NM_198578.4(LRRK2):c.5754_5757+1del

Gene: LRRK2 (leucine rich repeat kinase 2; plus strand). Cytogenetic location: 12q12.
Variant type: Deletion.
Coding change: c.5754_5757+1del on transcript NM_198578.4 (MANE Select); coding-DNA position 5754 through the canonical splice donor site of the intron after coding-DNA position 5757, 5 bases deleted (ACAAG; older notation c.5754_5757+1delACAAG).
Molecular consequence: splice donor variant.
Genome position (GRCh38, 1-based): chr12:40,328,457-40,328,461, ACAAG deleted; deleting any 5 consecutive bases within chr12:40,328,454-40,328,461 gives the same sequence; the c. name uses the placement nearest the transcript's 3' end. VCF-style (leftmost placement, unchanged base first): chr12-40328453-TAAGAC-T. GRCh37 (hg19) VCF-style: chr12-40722255-TAAGAC-T.
Identifiers: ClinVar variation 3906737 (VCV003906737.1).